The following is an entry in ClinVar:

NM_000836.4(GRIN2D):c.2758T>C (p.Tyr920His)

Gene: GRIN2D (glutamate ionotropic receptor NMDA type subunit 2D; plus strand). Cytogenetic location: 19q13.33.
Variant type: single nucleotide variant.
Coding change: c.2758T>C on transcript NM_000836.4 (MANE Select); coding-DNA position 2758, T replaced by C.
Protein change: p.Tyr920His; replaces tyrosine 920 with histidine.
Molecular consequence: missense variant.
Genome position (GRCh38, 1-based): chr19:48,442,684, T>C. VCF-style: chr19-48442684-T-C. GRCh37 (hg19) VCF-style: chr19-48945941-T-C.
Other names: short protein forms Y920H.
Identifiers: ClinVar variation 4975327 (VCV004975327.1).

ClinVar aggregate classification (germline): Uncertain significance (1 of 4 stars; one submission).

Submission:

GeneDx
Classification: Uncertain significance. Last evaluated: 2026-01-20. Review status: criteria provided, single submitter. Criteria: GeneDx Variant Classification Process June 2021. Collection method: clinical testing. Allele origin: germline.
Comment: Not observed at significant frequency in large population cohorts (gnomAD); In silico analysis suggests that this missense variant does not alter protein structure/function; Has not been previously published as pathogenic or benign to our knowledge